The following is an entry in ClinVar:

ClinVar aggregate classification (germline): Benign (0 of 4 stars; one submission).

Conditions:
LRP1B-related disorder. Also called: LRP1B-related condition.

Allele frequency attached by ClinVar (database versions not stated): ESP Exome Variant Server 0.00969; gnomAD exomes 0.01173; gnomAD 0.01636; ExAC 0.02290; TOPMed 0.02413; 1000 Genomes Project 0.02676; 1000 Genomes Project 30x 0.02983.
gnomAD v4.1: 19,556 of 1,613,246 alleles (1.2%); highest among the groups gnomAD compares: Admixed American, 13%; 730 homozygotes.

Submission:

PreventionGenetics, part of Exact Sciences
Classification: Benign for LRP1B-related condition. Last evaluated: 2019-04-10. Review status: no assertion criteria provided. Collection method: clinical testing. Allele origin: germline.
Comment: This variant is classified as benign based on ACMG/AMP sequence variant interpretation guidelines (Richards et al. 2015 PMID: 25741868, with internal and published modifications).

NM_018557.3(LRP1B):c.6656G>A (p.Arg2219His)

Gene: LRP1B (LDL receptor related protein 1B; minus strand). Cytogenetic location: 2q22.1.
Variant type: single nucleotide variant.
Coding change: c.6656G>A on transcript NM_018557.3 (MANE Select); coding-DNA position 6656, G replaced by A.
Protein change: p.Arg2219His; replaces arginine 2219 with histidine.
Molecular consequence: missense variant.
Genome position (GRCh38, 1-based): chr2:140,700,393, C>T on the plus strand (G>A on the coding strand, the complement: LRP1B is on the minus strand). VCF-style: chr2-140700393-C-T. GRCh37 (hg19) VCF-style: chr2-141457962-C-T.
Other names: short protein forms R2219H.
Identifiers: ClinVar variation 3042117 (VCV003042117.2), dbSNP rs34694228, ClinGen allele CA1894531.